The following is an entry in ClinVar:

NM_000321.3(RB1):c.1470T>A (p.Ala490=)

Gene: RB1 (RB transcriptional corepressor 1; plus strand). Cytogenetic location: 13q14.2.
Variant type: single nucleotide variant.
Coding change: c.1470T>A on transcript NM_000321.3 (MANE Select); coding-DNA position 1470, T replaced by A.
Protein change: p.Ala490=; no amino-acid change (alanine 490 retained).
Molecular consequence: synonymous variant.
Genome position (GRCh38, 1-based): chr13:48,380,213, T>A. VCF-style: chr13-48380213-T-A. GRCh37 (hg19) VCF-style: chr13-48954349-T-A.
Other names: c.1470T>A, p.Ala490= (NM_001407165.1, NM_001407166.1).
Identifiers: ClinVar variation 2498582 (VCV002498582.29), dbSNP rs1213010309, ClinGen allele CA483559290.

ClinVar aggregate classification (germline): Benign/Likely benign. Review status: criteria provided, multiple submitters, no conflicts (2 of 4 stars). 3 submissions from 3 submitters: Benign (1); Likely benign (2). Last evaluated 2026-06-24.

Conditions:
Hereditary cancer-predisposing syndrome. Also called: Neoplastic Syndromes, Hereditary; Tumor predisposition; Hereditary Cancer Syndrome; Hereditary neoplastic syndrome. Identifiers: Orphanet 140162, MedGen C0027672, MeSH D009386, MONDO:0015356.
Retinoblastoma (RB1). Also called: RETINOBLASTOMA, SOMATIC. Identifiers: Orphanet 790, MedGen C0035335, MeSH D012175, MONDO:0008380, OMIM 180200, HP:0009919. Disease mechanism: loss of function. Inheritance: Both sporadic and heritable forms are tested..

Allele frequency attached by ClinVar (database versions not stated): TOPMed below 0.00001.
gnomAD v4.1: 1 of 1,607,856 alleles (0.000062%); highest among the groups gnomAD compares: Non-Finnish European, 0.000085%; no homozygotes.

Submissions (3):

Myriad Genetics, Inc.
Classification: Benign for Retinoblastoma. Last evaluated: 2026-06-24. Review status: criteria provided, single submitter. Criteria: Myriad Autosomal Dominant, Autosomal Recessive and X-Linked Classification Criteria (2023). Collection method: clinical testing. Allele origin: unknown.
Comment: This variant is considered benign. This variant is a silent/synonymous amino acid change and it is not expected to impact splicing.

Ambry Genetics
Classification: Likely benign for Hereditary cancer-predisposing syndrome. Last evaluated: 2023-12-20. Review status: criteria provided, single submitter. Criteria: Ambry Variant Classification Scheme 2023. Collection method: clinical testing. Allele origin: germline.

CeGaT Center for Human Genetics Tuebingen
Classification: Likely benign. Last evaluated: 2023-02-01. Review status: criteria provided, single submitter. Criteria: CeGaT Center For Human Genetics Tuebingen Variant Classification Criteria Version 2. Collection method: clinical testing. Allele origin: germline. Affected: yes. Observed: 1 variant allele.
Comment: RB1: PM2:Supporting, BP4, BP7